The following is an entry in ClinVar:

NM_002241.5(KCNJ10):c.930G>C (p.Glu310Asp)

Gene: KCNJ10 (potassium inwardly rectifying channel subfamily J member 10; minus strand). Cytogenetic location: 1q23.2.
Variant type: single nucleotide variant.
Coding change: c.930G>C on transcript NM_002241.5 (MANE Select); coding-DNA position 930, G replaced by C.
Protein change: p.Glu310Asp; replaces glutamic acid 310 with aspartic acid.
Molecular consequence: missense variant.
Genome position (GRCh38, 1-based): chr1:160,041,603, C>G on the plus strand (G>C on the coding strand, the complement: KCNJ10 is on the minus strand). VCF-style: chr1-160041603-C-G. GRCh37 (hg19) VCF-style: chr1-160011393-C-G.
Other names: short protein forms E310D.
Identifiers: ClinVar variation 4751384 (VCV004751384.1).

ClinVar aggregate classification (germline): Uncertain significance (1 of 4 stars; one submission).

Conditions:
EAST syndrome (SESAMES). Also called: SEIZURES, SENSORINEURAL DEAFNESS, ATAXIA, IMPAIRED INTELLECTUAL DEVELOPMENT, AND ELECTROLYTE IMBALANCE. Identifiers: Orphanet 199343, MedGen C2748572, MONDO:0013005, OMIM 612780.

gnomAD v4.1: 4 of 1,614,044 alleles (0.00025%); highest among the groups gnomAD compares: African/African-American, 0.0053%; no homozygotes.

Submission:

Labcorp Genetics (formerly Invitae), Labcorp
Classification: Uncertain significance for EAST syndrome. Last evaluated: 2025-11-07. Review status: criteria provided, single submitter. Criteria: Invitae Variant Classification Sherloc (09022015). Collection method: clinical testing. Allele origin: germline.
Comment: This sequence change replaces glutamic acid, which is acidic and polar, with aspartic acid, which is acidic and polar, at codon 310 of the KCNJ10 protein (p.Glu310Asp). This variant is present in population databases (rs368793191, gnomAD 0.01%). This variant has not been reported in the literature in individuals affected with KCNJ10-related conditions. Invitae Evidence Modeling of protein sequence and biophysical properties (such as structural, functional, and spatial information, amino acid conservation, physicochemical variation, residue mobility, and thermodynamic stability) indicates that this missense variant is not expected to disrupt KCNJ10 protein function with a negative predictive value of 95%. In summary, the available evidence is currently insufficient to determine the role of this variant in disease. Therefore, it has been classified as a Variant of Uncertain Significance.